The following is an entry in ClinVar:

NM_006846.4(SPINK5):c.1431-75C>G

Gene: SPINK5 (serine peptidase inhibitor Kazal type 5; plus strand). Cytogenetic location: 5q32.
Variant type: single nucleotide variant.
Coding change: c.1431-75C>G on transcript NM_006846.4 (MANE Select); 75 bases into the intron before coding-DNA position 1431, C replaced by G.
Molecular consequence: intron variant.
Genome position (GRCh38, 1-based): chr5:148,104,877, C>G. VCF-style: chr5-148104877-C-G. GRCh37 (hg19) VCF-style: chr5-147484440-C-G.
Other names: c.1431-75C>G (NM_001127698.2, NM_001127699.2).
Identifiers: ClinVar variation 379218 (VCV000379218.1), dbSNP rs10477362, ClinGen allele CA16604830.

ClinVar aggregate classification (germline): Benign (1 of 4 stars; one submission).

Allele frequency attached by ClinVar (database versions not stated): gnomAD exomes 0.00371; gnomAD 0.04020 and 0.04317; 1000 Genomes Project 0.04253; ESP Exome Variant Server 0.04314; 1000 Genomes Project 30x 0.04528; TOPMed 0.04631.
gnomAD v4.1: 11,017 of 1,417,694 alleles (0.78%); highest among the groups gnomAD compares: African/African-American, 14%; 689 homozygotes.

Submission:

GeneDx
Classification: Benign. Last evaluated: 2015-12-22. Review status: criteria provided, single submitter. Criteria: GeneDx Variant Classification (06012015). Collection method: clinical testing. Allele origin: germline. Affected: yes.
Comment: This variant is considered likely benign or benign based on one or more of the following criteria: it is a conservative change, it occurs at a poorly conserved position in the protein, it is predicted to be benign by multiple in silico algorithms, and/or has population frequency not consistent with disease.